The following is an entry in ClinVar:

NM_000038.6(APC):c.8410C>G (p.Gln2804Glu)

Gene: APC (APC regulator of Wnt signaling pathway; plus strand). Cytogenetic location: 5q22.2.
Variant type: single nucleotide variant.
Coding change: c.8410C>G on transcript NM_000038.6 (MANE Select); coding-DNA position 8410, C replaced by G.
Protein change: p.Gln2804Glu; replaces glutamine 2804 with glutamic acid.
Molecular consequence: missense variant.
Genome position (GRCh38, 1-based): chr5:112,844,004, C>G. VCF-style: chr5-112844004-C-G. GRCh37 (hg19) VCF-style: chr5-112179701-C-G.
Other names: c.8410C>G, p.Gln2804Glu (NM_001127510.3, NM_001354895.2); c.8356C>G, p.Gln2786Glu (NM_001127511.3); c.8464C>G, p.Gln2822Glu (NM_001354896.2); c.8440C>G, p.Gln2814Glu (NM_001354897.2); c.8335C>G, p.Gln2779Glu (NM_001354898.2); c.8326C>G, p.Gln2776Glu (NM_001354899.2); c.8287C>G, p.Gln2763Glu (NM_001354900.2); c.8233C>G, p.Gln2745Glu (NM_001354901.2); and 5 more; short protein forms Q2786E, Q2804E, Q2521E, Q2644E, Q2713E, Q2745E, Q2763E, Q2776E.
Identifiers: ClinVar variation 537525 (VCV000537525.11), dbSNP rs1554089117, ClinGen allele CA16039579.
Genomic context (GRCh38, chr5:112,844,004, plus strand): 5'-TTTAATTACAACCCAAGCCCTAGGAAAAGCAGCGCAGATAGCACTTCAGCTCGGCCATCT[C>G]AGATCCCAACTCCAGTGAATAACAACACAAAGAAGCGAGATTCCAAAACTGACAGCACAG-3'
Protein context (NP_000029.2, residues 2794-2814): SADSTSARPS[Gln2804Glu]IPTPVNNNTK

ClinVar aggregate classification (germline): Uncertain significance. Review status: criteria provided, multiple submitters, no conflicts (2 of 4 stars). 2 submissions from 2 submitters: Uncertain significance (2). Last evaluated 2026-03-09.

Conditions:
Hereditary cancer-predisposing syndrome. Also called: Tumor predisposition; Hereditary Cancer Syndrome; Neoplastic Syndromes, Hereditary; Hereditary neoplastic syndrome. Identifiers: Orphanet 140162, MedGen C0027672, MeSH D009386, MONDO:0015356.
Familial adenomatous polyposis 1 (FAP1). Also called: FAMILIAL ADENOMATOUS POLYPOSIS 1, ATTENUATED; POLYPOSIS, ADENOMATOUS INTESTINAL. Identifiers: MedGen C2713442, MONDO:0021056, OMIM 175100. Disease mechanism: loss of function.

Allele frequency attached by ClinVar (database versions not stated): gnomAD exomes below 0.00001.
gnomAD v4.1: 1 of 1,601,370 alleles (0.000062%); highest among the groups gnomAD compares: South Asian, 0.0011%; no homozygotes.

Submissions (2):

Ambry Genetics
Classification: Uncertain significance for Hereditary cancer-predisposing syndrome. Last evaluated: 2026-03-09. Review status: criteria provided, single submitter. Criteria: Ambry Variant Classification Scheme 2023. Collection method: clinical testing. Allele origin: germline.
Comment: The p.Q2804E variant (also known as c.8410C>G), located in coding exon 15 of the APC gene, results from a C to G substitution at nucleotide position 8410. The glutamine at codon 2804 is replaced by glutamic acid, an amino acid with highly similar properties. This amino acid position is conserved. In addition, in silico predictors for this gene do not accurately predict pathogenicity. Based on the available evidence, the clinical significance of this variant remains unclear.

Labcorp Genetics (formerly Invitae), Labcorp
Classification: Uncertain significance for Familial adenomatous polyposis 1. Last evaluated: 2025-05-23. Review status: criteria provided, single submitter. Criteria: Invitae Variant Classification Sherloc (09022015). Collection method: clinical testing. Allele origin: germline.
Comment: This sequence change replaces glutamine, which is neutral and polar, with glutamic acid, which is acidic and polar, at codon 2804 of the APC protein (p.Gln2804Glu). This variant is not present in population databases (gnomAD no frequency). This variant has not been reported in the literature in individuals affected with APC-related conditions. ClinVar contains an entry for this variant (Variation ID: 537525). Invitae Evidence Modeling of protein sequence and biophysical properties (such as structural, functional, and spatial information, amino acid conservation, physicochemical variation, residue mobility, and thermodynamic stability) indicates that this missense variant is not expected to disrupt APC protein function with a negative predictive value of 95%. In summary, the available evidence is currently insufficient to determine the role of this variant in disease. Therefore, it has been classified as a Variant of Uncertain Significance.